The following is an entry in ClinVar:

ClinVar aggregate classification (germline): Pathogenic/Likely pathogenic. Review status: criteria provided, multiple submitters, no conflicts (2 of 4 stars). 3 submissions from 3 submitters: Pathogenic (1); Likely pathogenic (1). 1 of the submissions does not count toward it. Last evaluated 2022-03-07.

Conditions:
LPIN2-related disorder. Also called: LPIN2-related condition.
LPIN2-related disorders.
Majeed syndrome (MJDS). Also called: CHRONIC RECURRENT MULTIFOCAL OSTEOMYELITIS 1, WITH CONGENITAL DYSERYTHROPOIETIC ANEMIA, WITH OR WITHOUT NEUTROPHILIC DERMATOSIS; LPIN2-Related Majeed Syndrome. Identifiers: Orphanet 77297, MedGen C1864997, MONDO:0012316, OMIM 609628.

Submissions (3):

Labcorp Genetics (formerly Invitae), Labcorp
Classification: Pathogenic for Majeed syndrome. Last evaluated: 2022-03-07. Review status: criteria provided, single submitter. Criteria: Invitae Variant Classification Sherloc (09022015). Collection method: clinical testing. Allele origin: germline.
Comment: This sequence change creates a premature translational stop signal (p.Lys781Thrfs*7) in the LPIN2 gene. It is expected to result in an absent or disrupted protein product. Loss-of-function variants in LPIN2 are known to be pathogenic (PMID: 15994876, 23087183). For these reasons, this variant has been classified as Pathogenic. ClinVar contains an entry for this variant (Variation ID: 1069224). This variant has not been reported in the literature in individuals affected with LPIN2-related conditions. This variant is present in population databases (rs762442011, gnomAD 0.006%).

Blueprint Genetics
Classification: Likely pathogenic for LPIN2-related disorders. Last evaluated: 2020-04-21. Review status: criteria provided, single submitter. Criteria: ACMG Guidelines, 2015. Collection method: clinical testing. Allele origin: germline. Affected: yes. Observed: 2 variant alleles.

PreventionGenetics, part of Exact Sciences
Classification: Likely pathogenic for LPIN2-related condition. Last evaluated: 2024-09-24. Review status: no assertion criteria provided. Collection method: clinical testing. Allele origin: germline. Not counted in ClinVar's aggregate classification.
Comment: The LPIN2 c.2342_2346del5 variant is predicted to result in a frameshift and premature protein termination (p.Lys781Thrfs*7). To our knowledge, this variant has not been reported in the literature. This variant is reported in 0.0033% of alleles in individuals of South Asian descent in gnomAD. Frameshift variants in LPIN2 are expected to be pathogenic. This variant is interpreted as likely pathogenic.

Literature cited by the submitters: PubMed 15994876 (cited by Labcorp Genetics (formerly Invitae), Labcorp); PubMed 23087183 (cited by Labcorp Genetics (formerly Invitae), Labcorp).

NM_001375808.2(LPIN2):c.2342_2346del (p.Lys781fs)

Gene: LPIN2 (lipin 2; minus strand). Cytogenetic location: 18p11.31.
Variant type: Microsatellite.
Coding change: c.2342_2346del on transcript NM_001375808.2 (MANE Select); coding-DNA positions 2342 to 2346, 5 bases deleted (AGAAA; older notation c.2342_2346delAGAAA).
Protein change: p.Lys781fs; shifts the reading frame from lysine 781.
Molecular consequence: frameshift variant.
Genome position (GRCh38, 1-based): chr18:2,921,629-2,921,633, TTTCT deleted on the plus strand (AGAAA on the coding strand, the reverse complement: LPIN2 is on the minus strand); deleting any 5 consecutive bases within chr18:2,921,629-2,921,638 gives the same sequence; the c. name uses the placement nearest the transcript's 3' end. VCF-style (leftmost placement, unchanged base first): chr18-2921628-GTTTCT-G. GRCh37 (hg19) VCF-style: chr18-2921626-GTTTCT-G.
Other names: c.2342_2346del, p.Lys781fs (NM_001375809.1, NM_014646.2); c.2342_2346del5 (NM_014646.2); short protein forms K781fs.
Identifiers: ClinVar variation 1069224 (VCV001069224.11), dbSNP rs762442011, ClinGen allele CA8872751.